The following is an entry in ClinVar:

ClinVar aggregate classification (germline): Pathogenic (1 of 4 stars; one submission).

Conditions:
Hereditary spastic paraplegia 49 (HSAN9). Also called: TECPR2-Related Hereditary Sensory and Autonomic Neuropathy with Intellectual Disability; Spastic paraplegia 49, autosomal recessive; NEUROPATHY, HEREDITARY SENSORY AND AUTONOMIC, TYPE IX, WITH DEVELOPMENTAL DELAY. Identifiers: Orphanet 320385, MedGen C5190860, MONDO:0014016, OMIM 615031.

Submission:

Myriad Genetics, Inc.
Classification: Pathogenic for Hereditary spastic paraplegia 49. Last evaluated: 2025-06-03. Review status: criteria provided, single submitter. Criteria: Myriad Autosomal Dominant, Autosomal Recessive and X-Linked Classification Criteria (2023). Collection method: clinical testing. Allele origin: unknown.
Comment: NM_014844.3(TECPR2):c.3945C>A(C1315*) is a nonsense variant classified as pathogenic in the context of spastic paraplegia, TECPR2-related. C1315* has not been observed in cases with relevant disease. Relevant functional assessments of this variant are not available in the literature. C1315* has not been observed in referenced population frequency databases. In summary, NM_014844.3(TECPR2):c.3945C>A(C1315*) is a nonsense variant in a gene where loss of function is a known mechanism of disease and is predicted to disrupt protein function. Please note: this variant was assessed in the context of healthy population screening.

NM_014844.5(TECPR2):c.3945C>A (p.Cys1315Ter)

Gene: TECPR2 (tectonin beta-propeller repeat containing 2; plus strand). Cytogenetic location: 14q32.31.
Variant type: single nucleotide variant.
Coding change: c.3945C>A on transcript NM_014844.5 (MANE Select); coding-DNA position 3945, C replaced by A.
Protein change: p.Cys1315Ter; replaces cysteine 1315 with a stop codon.
Molecular consequence: nonsense.
Genome position (GRCh38, 1-based): chr14:102,497,583, C>A. VCF-style: chr14-102497583-C-A. GRCh37 (hg19) VCF-style: chr14-102963920-C-A.
Other names: short protein forms C1315*.
Identifiers: ClinVar variation 4081806 (VCV004081806.1).